The following is an entry in ClinVar:

ClinVar aggregate classification (germline): Likely benign. Review status: criteria provided, multiple submitters, no conflicts (2 of 4 stars). 4 submissions from 4 submitters: Likely benign (3). 1 of the submissions does not count toward it. Last evaluated 2026-01-08.

Conditions:
Cohen syndrome (COH1). Also called: Cutis verticis gyrata, retinitis pigmentosa, and sensorineural deafness; PEPPER SYNDROME. Identifiers: Orphanet 193, MedGen C0265223, MONDO:0008999, OMIM 216550.
VPS13B-related disorder. Also called: VPS13B-related condition.

Allele frequency attached by ClinVar (database versions not stated): TOPMed below 0.00001; gnomAD 0.00001; gnomAD exomes 0.00002; 1000 Genomes Project 30x 0.00016; 1000 Genomes Project 0.00020.
gnomAD v4.1: 12 of 1,614,160 alleles (0.00074%); highest among the groups gnomAD compares: East Asian, 0.025%; no homozygotes.

Submissions (4):

PreventionGenetics, part of Exact Sciences
Classification: Likely benign for VPS13B-related condition. Last evaluated: 2026-01-08. Review status: criteria provided, single submitter. Criteria: ACMG Guidelines, 2015. Collection method: clinical testing. Allele origin: germline.
Comment: This variant is classified as likely benign based on ACMG/AMP sequence variant interpretation guidelines (Richards et al. 2015 PMID: 25741868, with internal and published modifications).

Labcorp Genetics (formerly Invitae), Labcorp
Classification: Likely benign for Cohen syndrome. Last evaluated: 2025-08-14. Review status: criteria provided, single submitter. Criteria: Invitae Variant Classification Sherloc (09022015). Collection method: clinical testing. Allele origin: germline.

Blueprint Genetics
Classification: Likely benign. Last evaluated: 2020-11-12. Review status: criteria provided, single submitter. Criteria: ACMG Guidelines, 2015. Collection method: clinical testing. Allele origin: germline.

Natera, Inc.
Classification: Likely benign for Cohen syndrome. Last evaluated: 2020-09-16. Review status: no assertion criteria provided. Collection method: clinical testing. Allele origin: germline. Not counted in ClinVar's aggregate classification.

NM_152564.5(VPS13B):c.1077T>C (p.Tyr359=)

Gene: VPS13B (vacuolar protein sorting 13 homolog B; plus strand). Cytogenetic location: 8q22.2.
Variant type: single nucleotide variant.
Coding change: c.1077T>C on transcript NM_152564.5 (MANE Select); coding-DNA position 1077, T replaced by C.
Protein change: p.Tyr359=; no amino-acid change (tyrosine 359 retained).
Molecular consequence: synonymous variant. On other transcripts: non-coding transcript variant (1).
Genome position (GRCh38, 1-based): chr8:99,121,316, T>C. VCF-style: chr8-99121316-T-C. GRCh37 (hg19) VCF-style: chr8-100133544-T-C.
Other names: c.1077T>C, p.Tyr359= (NM_015243.3, NM_017890.5, NM_181661.3); c.1077T>C (NM_152564.4).
Identifiers: ClinVar variation 759061 (VCV000759061.14), dbSNP rs541332942, ClinGen allele CA182885988.